The following is an entry in ClinVar:

ClinVar aggregate classification (germline): Uncertain significance (1 of 4 stars; one submission).

Allele frequency attached by ClinVar (database versions not stated): TOPMed below 0.00001.
gnomAD v4.1: 1 of 1,613,572 alleles (0.000062%); no homozygotes.

Submission:

Labcorp Genetics (formerly Invitae), Labcorp
Classification: Uncertain significance. Last evaluated: 2022-08-08. Review status: criteria provided, single submitter. Criteria: Invitae Variant Classification Sherloc (09022015). Collection method: clinical testing. Allele origin: germline.
Comment: In summary, the available evidence is currently insufficient to determine the role of this variant in disease. Therefore, it has been classified as a Variant of Uncertain Significance. Algorithms developed to predict the effect of sequence changes on RNA splicing suggest that this variant may disrupt the consensus splice site. Algorithms developed to predict the effect of missense changes on protein structure and function (SIFT, PolyPhen-2, Align-GVGD) all suggest that this variant is likely to be tolerated. ClinVar contains an entry for this variant (Variation ID: 1483853). This variant has not been reported in the literature in individuals affected with SEMA4A-related conditions. This variant is not present in population databases (gnomAD no frequency). This sequence change replaces phenylalanine, which is neutral and non-polar, with leucine, which is neutral and non-polar, at codon 125 of the SEMA4A protein (p.Phe125Leu).

NM_022367.4(SEMA4A):c.375C>A (p.Phe125Leu)

Gene: SEMA4A (semaphorin 4A; plus strand). Cytogenetic location: 1q22.
Variant type: single nucleotide variant.
Coding change: c.375C>A on transcript NM_022367.4 (MANE Select); coding-DNA position 375, C replaced by A.
Protein change: p.Phe125Leu; replaces phenylalanine 125 with leucine.
Molecular consequence: missense variant. On other transcripts: 5 prime UTR variant (2), intron variant (1).
Genome position (GRCh38, 1-based): chr1:156,158,399, C>A. VCF-style: chr1-156158399-C-A. GRCh37 (hg19) VCF-style: chr1-156128190-C-A.
Other names: c.375C>A, p.Phe125Leu (NM_001193300.2, NM_001193301.2, NM_001370567.1); c.78C>A, p.Phe26Leu (NM_001370568.1); c.-150C>A (NM_001370569.1, NM_001370571.1); c.66+267C>A (NM_001193302.2); short protein forms F26L, F125L.
Identifiers: ClinVar variation 1483853 (VCV001483853.6), dbSNP rs917446880, ClinGen allele CA31030782.